The following continues an entry in ClinVar:

NM_000784.4(CYP27A1):c.1184+1G>A

Gene: CYP27A1. ClinVar aggregate classification (germline): Pathogenic. Pathogenic (21).

Submissions 12 to 26 of 26:

Revvity Omics, Revvity
Classification: Pathogenic for Cholestanol storage disease. Last evaluated: 2022-10-28. Review status: criteria provided, single submitter. Criteria: ACMG Guidelines, 2015. Collection method: clinical testing. Allele origin: germline.

Department of Pathology and Laboratory Medicine, Sinai Health System
Classification: Pathogenic for Cholestanol storage disease. Last evaluated: 2022-10-03. Review status: criteria provided, single submitter. Criteria: ACMG Guidelines, 2015. Collection method: research. Allele origin: germline.

Women's Health and Genetics/Laboratory Corporation of America, LabCorp
Classification: Pathogenic for Cholestanol storage disease. Last evaluated: 2022-05-13. Review status: criteria provided, single submitter. Criteria: LabCorp Variant Classification Summary - May 2015. Collection method: clinical testing. Allele origin: germline.
Comment: Variant summary: CYP27A1 c.1184+1G>A is located in a canonical splice-site and is predicted to affect mRNA splicing resulting in a significantly altered protein due to either exon skipping, shortening, or inclusion of intronic material. Several computational tools predict a significant impact on normal splicing: Three predict the variant abolishes the canonical 5' splicing donor site. At least one publication reports experimental evidence that this variant affects mRNA splicing by skipping of exon 7 and joining exon 6 to exon 8 that translates to a sequence of 28 novel amino acids preceding a termination codon (Garuti_1996). The variant allele was found at a frequency of 0.00016 in 251280 control chromosomes. This frequency is not significantly higher than estimated for a pathogenic variant in CYP27A1 causing Cerebrotendinous Xanthomatosis (0.00016 vs 0.0011), allowing no conclusion about variant significance. c.1184+1G>A has been reported in the literature as homozygous and compound heterozygous genotypes in multiple individuals affected with Cerebrotendinous Xanthomatosis (example, Garuti_1996, Gianneschi_2013). These data indicate that the variant is very likely to be associated with disease. Eight clinical diagnostic laboratories have submitted clinical-significance assessments for this variant to ClinVar after 2014 without evidence for independent evaluation. All laboratories classified the variant as pathogenic. Based on the evidence outlined above, the variant was classified as pathogenic.

GeneDx
Classification: Pathogenic. Last evaluated: 2022-05-09. Review status: criteria provided, single submitter. Criteria: GeneDx Variant Classification Process June 2021. Collection method: clinical testing. Allele origin: germline. Affected: yes.
Comment: Observed in the homozygous state or with a pathogenic variant on the opposite allele (in trans) in patients with cerebrotendinous xanthomatosis referred for genetic testing at GeneDx and in published literature (Garuti et al., 1997; Verrips et al., 2000; Lee et al., 2001; Lipinski et al., 2020); Canonical splice site variant and published functional studies demonstrate that this variant leads to the production of three abnormal transcripts, and almost undetectable levels of mRNA in patient fibroblasts (Garuti et al., 1997); This variant is associated with the following publications: (PMID: 10775536, 25525159, 11181744, 26643207, 20402754, 28894950, 29260356, 32793533, 33659184, 34066437, 33400472, 31589614, 33083013, 33520900, 9392430)

CeGaT Center for Human Genetics Tuebingen
Classification: Pathogenic. Last evaluated: 2021-12-01. Review status: criteria provided, single submitter. Criteria: CeGaT Center For Human Genetics Tuebingen Variant Classification Criteria Version 2. Collection method: clinical testing. Allele origin: germline. Affected: yes. Observed: 1 variant allele.

Myriad Genetics, Inc.
Classification: Pathogenic for Cholestanol storage disease. Last evaluated: 2021-10-20. Review status: criteria provided, single submitter. Criteria: Myriad Women's Health Autosomal Recessive and X-Linked Classification Criteria (2021). Collection method: clinical testing. Allele origin: unknown.
Comment: NM_000784.3(CYP27A1):c.1184+1G>A is a canonical splice variant classified as pathogenic in the context of cerebrotendinous xanthomatosis. c.1184+1G>A has been observed in cases with relevant disease (PMID: 22878431). Functional assessments of this variant are available in the literature (PMID: 9392430). c.1184+1G>A has been observed in population frequency databases (gnomAD: SAS 0.07%). In summary, NM_000784.3(CYP27A1):c.1184+1G>A is a canonical splice variant in a gene where loss of function is a known mechanism of disease, is predicted to disrupt protein function, and has been observed more frequently in cases with the relevant disease than in healthy populations. Please note: this variant was assessed in the context of healthy population screening.

Institute of Medical Genetics and Applied Genomics, University Hospital Tübingen
Classification: Pathogenic. Last evaluated: 2020-10-23. Review status: criteria provided, single submitter. Criteria: ACMG Guidelines, 2015. Collection method: clinical testing. Allele origin: germline. Inheritance: Autosomal recessive inheritance. Affected: yes.

Eurofins Ntd Llc (ga)
Classification: Pathogenic. Last evaluated: 2017-10-10. Review status: criteria provided, single submitter. Criteria: EGL Classification Definitions 2015. Collection method: clinical testing. Allele origin: germline. Observed: 2 variant alleles, 2 heterozygotes.

CENTOGENE GmbH and LLC - Guiding Precision Medicine
Classification: Pathogenic for Cerebrotendinous xanthomatosis. Review status: criteria provided, single submitter. Criteria: ACMG Guidelines, 2015. Collection method: clinical testing. Allele origin: germline. Affected: yes.

Kasturba Medical College, Manipal, Kasturba Medical College, Manipal, Manipal Academy of Higher Education, Manipal, India
Classification: Pathogenic for Cholestanol storage disease. Review status: criteria provided, single submitter. Criteria: ACMG Guidelines, 2015. Collection method: clinical testing. Allele origin: germline. Affected: yes. Observed: 1 variant allele.

GeneReviews
Classification: Pathogenic for Cerebrotendinous Xanthomatosis. Last evaluated: 2013-08-01. Review status: no assertion criteria provided. Collection method: curation. Allele origin: unknown. Not counted in ClinVar's aggregate classification.
ClinVar note: Converted during submission from pathologic to Pathogenic.

Clinical Genetics, Academic Medical Center
Classification: Likely pathogenic. Review status: no assertion criteria provided. Collection method: clinical testing. Allele origin: germline. Affected: yes. Study: VKGL Data-share Consensus. Not counted in ClinVar's aggregate classification.

Diagnostic Laboratory, Department of Genetics, University Medical Center Groningen
Classification: Pathogenic. Review status: no assertion criteria provided. Collection method: clinical testing. Allele origin: germline. Affected: yes. Study: VKGL Data-share Consensus. Not counted in ClinVar's aggregate classification.

Dr. Peter K. Rogan Lab, Western University
No classification provided (evidence only). Condition: Uveal melanoma. Review status: no classification provided. Collection method: in vitro. Allele origin: not applicable. Functional consequence: skipped exon, retained intron. Not counted in ClinVar's aggregate classification.

Joint Genome Diagnostic Labs from Nijmegen and Maastricht, Radboudumc and MUMC+
Classification: Pathogenic. Review status: no assertion criteria provided. Collection method: clinical testing. Allele origin: germline. Affected: yes. Study: VKGL Data-share Consensus. Not counted in ClinVar's aggregate classification.

Literature cited by the submitters: PubMed 33400472 (cited by 4 submitters); PubMed 34066437 (cited by Ambry Genetics); PubMed 34169787 (cited by Ambry Genetics); PubMed 37239101 (cited by 3 submitters); PubMed 9392430 (cited by 6 submitters); PubMed 21645175 (cited by Labcorp Genetics (formerly Invitae), Labcorp); PubMed 28894950 (cited by 3 submitters); PubMed 29260356 (cited by Natera, Inc.); PubMed 38374498 (cited by Dasa); PubMed 38952472 (cited by Dasa); PubMed 35743896 (cited by Dasa); PubMed 33704661 (cited by Dasa); PubMed 20450308 (cited by Pittsburgh Clinical Genomics Laboratory, University of Pittsburgh Medical Center); PubMed 32793533 (cited by Mayo Clinic Laboratories, Mayo Clinic); PubMed 34689324 (cited by Mayo Clinic Laboratories, Mayo Clinic); PubMed 22878431 (cited by Women's Health and Genetics/Laboratory Corporation of America, LabCorp and Myriad Genetics, Inc.).